The following is an entry in ClinVar:

NM_000163.5(GHR):c.1741A>C (p.Thr581Pro)

Gene: GHR (growth hormone receptor; plus strand). Cytogenetic location: 5p12.
Variant type: single nucleotide variant.
Coding change: c.1741A>C on transcript NM_000163.5 (MANE Select); coding-DNA position 1741, A replaced by C.
Protein change: p.Thr581Pro; replaces threonine 581 with proline.
Molecular consequence: missense variant. On other transcripts: 3 prime UTR variant (1).
Genome position (GRCh38, 1-based): chr5:42,719,248, A>C. VCF-style: chr5-42719248-A-C. GRCh37 (hg19) VCF-style: chr5-42719350-A-C.
Other names: c.1762A>C, p.Thr588Pro (NM_001242399.2); c.1741A>C, p.Thr581Pro (NM_001242400.2, NM_001242401.4, NM_001242402.2 and 4 more transcripts); c.1675A>C, p.Thr559Pro (NM_001242460.2); c.*783A>C (NM_001242462.1); short protein forms T559P, T581P, T588P.
Identifiers: ClinVar variation 2198212 (VCV002198212.1), dbSNP rs1032402352, ClinGen allele CA117805610.

ClinVar aggregate classification (germline): Uncertain significance (1 of 4 stars; one submission).

Submission:

Labcorp Genetics (formerly Invitae), Labcorp
Classification: Uncertain significance. Last evaluated: 2022-08-27. Review status: criteria provided, single submitter. Criteria: Invitae Variant Classification Sherloc (09022015). Collection method: clinical testing. Allele origin: germline.
Comment: This sequence change replaces threonine, which is neutral and polar, with proline, which is neutral and non-polar, at codon 581 of the GHR protein (p.Thr581Pro). This variant is not present in population databases (gnomAD no frequency). This variant has not been reported in the literature in individuals affected with GHR-related conditions. Algorithms developed to predict the effect of missense changes on protein structure and function output the following: SIFT: "Tolerated"; PolyPhen-2: "Benign"; Align-GVGD: "Class C0". The proline amino acid residue is found in multiple mammalian species, which suggests that this missense change does not adversely affect protein function. In summary, the available evidence is currently insufficient to determine the role of this variant in disease. Therefore, it has been classified as a Variant of Uncertain Significance.